The following is an entry in ClinVar:

NM_001134831.2(AHI1):c.2624-6A>G

Gene: AHI1 (Abelson helper integration site 1; minus strand). Cytogenetic location: 6q23.3.
Variant type: single nucleotide variant.
Coding change: c.2624-6A>G on transcript NM_001134831.2 (MANE Select); 6 bases into the intron before coding-DNA position 2624, A replaced by G.
Molecular consequence: intron variant.
Genome position (GRCh38, 1-based): chr6:135,427,313, T>C on the plus strand (A>G on the coding strand, the complement: AHI1 is on the minus strand). VCF-style: chr6-135427313-T-C. GRCh37 (hg19) VCF-style: chr6-135748451-T-C.
Other names: c.2624-6A>G (NM_001134830.2, NM_001350503.2, NM_017651.5 and 2 more transcripts).
Identifiers: ClinVar variation 128325 (VCV000128325.26), dbSNP rs41288015, ClinGen allele CA151705.

ClinVar aggregate classification (germline): Benign/Likely benign. Review status: criteria provided, multiple submitters, no conflicts (2 of 4 stars). 9 submissions from 9 submitters: Benign (4); Likely benign (1). 4 of the submissions do not count toward it. Last evaluated 2026-02-04.

Conditions:
Joubert syndrome 3 (JBTS3). Also called: AHI1-related Ciliopathy. Identifiers: Orphanet 220493, MedGen C1837713, MONDO:0012078, OMIM 608629.
Joubert syndrome. Also called: Familial aplasia of the vermis; JOUBERT-BOLTSHAUSER SYNDROME. Identifiers: Orphanet 475, MedGen C5979921, MONDO:0018772.

Allele frequency attached by ClinVar (database versions not stated): 1000 Genomes Project 30x 0.00562; 1000 Genomes Project 0.00599; TOPMed 0.01368; gnomAD exomes 0.01558 and 0.02126; gnomAD 0.01592 and 0.01635; ESP Exome Variant Server 0.01598; ExAC 0.01864.
gnomAD v4.1: 33,074 of 1,605,156 alleles (2.1%); highest among the groups gnomAD compares: Non-Finnish European, 2.4%; 443 homozygotes.

Submissions (9):

Labcorp Genetics (formerly Invitae), Labcorp
Classification: Benign for Joubert syndrome. Last evaluated: 2026-02-04. Review status: criteria provided, single submitter. Criteria: Invitae Variant Classification Sherloc (09022015). Collection method: clinical testing. Allele origin: germline.

Blueprint Genetics
Classification: Likely benign. Last evaluated: 2024-11-25. Review status: criteria provided, single submitter. Criteria: ACMG Guidelines, 2015. Collection method: clinical testing. Allele origin: germline.

Illumina Laboratory Services, Illumina
Classification: Benign for Joubert syndrome 3. Last evaluated: 2018-01-12. Review status: criteria provided, single submitter. Criteria: ICSL Variant Classification Criteria 13 December 2019. Collection method: clinical testing. Allele origin: germline.
Comment: This variant was observed in the ICSL laboratory as part of a predisposition screen in an ostensibly healthy population. It had not been previously curated by ICSL or reported in the Human Gene Mutation Database (HGMD: prior to June 1st, 2018), and was therefore a candidate for classification through an automated scoring system. Utilizing variant allele frequency, disease prevalence and penetrance estimates, and inheritance mode, an automated score was calculated to assess if this variant is too frequent to cause the disease. Based on the score and internal cut-off values, a variant classified as benign is not then subjected to further curation. The score for this variant resulted in a classification of benign for this disease.

GeneDx
Classification: Benign. Last evaluated: 2015-03-03. Review status: criteria provided, single submitter. Criteria: GeneDx Variant Classification Process June 2021. Collection method: clinical testing. Allele origin: germline. Affected: yes.

PreventionGenetics, part of Exact Sciences
Classification: Benign. Review status: criteria provided, single submitter. Criteria: ACMG Guidelines, 2015. Collection method: clinical testing. Allele origin: germline.

Clinical Genetics DNA and cytogenetics Diagnostics Lab, Erasmus MC, Erasmus Medical Center
Classification: Likely benign. Review status: no assertion criteria provided. Collection method: clinical testing. Allele origin: germline. Affected: yes. Study: VKGL Data-share Consensus. Not counted in ClinVar's aggregate classification.

Genetic Services Laboratory, University of Chicago
Classification: Likely benign for AllHighlyPenetrant. Review status: no assertion criteria provided. Collection method: clinical testing. Allele origin: germline. Inheritance: Autosomal recessive inheritance. Not counted in ClinVar's aggregate classification.
Comment: Likely benign based on allele frequency in 1000 Genomes Project or ESP global frequency and its presence in a patient with a rare or unrelated disease phenotype. NOT Sanger confirmed.

Genome Diagnostics Laboratory, University Medical Center Utrecht
Classification: Benign. Review status: no assertion criteria provided. Collection method: clinical testing. Allele origin: germline. Affected: yes. Study: VKGL Data-share Consensus. Not counted in ClinVar's aggregate classification.

Joint Genome Diagnostic Labs from Nijmegen and Maastricht, Radboudumc and MUMC+
Classification: Benign. Review status: no assertion criteria provided. Collection method: clinical testing. Allele origin: germline. Affected: yes. Study: VKGL Data-share Consensus. Not counted in ClinVar's aggregate classification.